The following is an entry in ClinVar:

NM_007194.4(CHEK2):c.91T>G (p.Ser31Ala)

Gene: CHEK2 (checkpoint kinase 2; minus strand). Cytogenetic location: 22q12.1.
Variant type: single nucleotide variant.
Coding change: c.91T>G on transcript NM_007194.4 (MANE Select); coding-DNA position 91, T replaced by G.
Protein change: p.Ser31Ala; replaces serine 31 with alanine.
Molecular consequence: missense variant. On other transcripts: 5 prime UTR variant (1), intron variant (1).
Genome position (GRCh38, 1-based): chr22:28,734,631, A>C on the plus strand (T>G on the coding strand, the complement: CHEK2 is on the minus strand). VCF-style: chr22-28734631-A-C. GRCh37 (hg19) VCF-style: chr22-29130619-A-C.
Other names: c.91T>G, p.Ser31Ala (NM_001005735.3, NM_001349956.3, NM_001438293.1 and 3 more transcripts); c.-687T>G (NM_001257387.3); c.-345+7138T>G (NM_001437942.1); short protein forms S31A.
Identifiers: ClinVar variation 4868947 (VCV004868947.1).

ClinVar aggregate classification (germline): Uncertain significance (1 of 4 stars; one submission).

Conditions:
Hereditary cancer-predisposing syndrome. Also called: Neoplastic Syndromes, Hereditary; Tumor predisposition; Hereditary Cancer Syndrome; Hereditary neoplastic syndrome. Identifiers: Orphanet 140162, MedGen C0027672, MeSH D009386, MONDO:0015356.

Submission:

Ambry Genetics
Classification: Uncertain significance for Hereditary cancer-predisposing syndrome. Last evaluated: 2026-06-12. Review status: criteria provided, single submitter. Criteria: Ambry Variant Classification Scheme 2023. Collection method: clinical testing. Allele origin: germline.
Comment: The p.S31A variant (also known as c.91T>G), located in coding exon 1 of the CHEK2 gene, results from a T to G substitution at nucleotide position 91. The serine at codon 31 is replaced by alanine, an amino acid with similar properties. This amino acid position is conserved. In addition, this alteration is predicted to be tolerated by in silico analysis. Based on the available evidence, the clinical significance of this variant remains unclear.